The following is an entry in ClinVar:

NM_015450.3(POT1):c.571T>C (p.Phe191Leu)

Gene: POT1 (protection of telomeres 1; minus strand). Cytogenetic location: 7q31.33.
Variant type: single nucleotide variant.
Coding change: c.571T>C on transcript NM_015450.3 (MANE Select); coding-DNA position 571, T replaced by C.
Protein change: p.Phe191Leu; replaces phenylalanine 191 with leucine.
Molecular consequence: missense variant. On other transcripts: non-coding transcript variant (3).
Genome position (GRCh38, 1-based): chr7:124,859,088, A>G on the plus strand (T>C on the coding strand, the complement: POT1 is on the minus strand). VCF-style: chr7-124859088-A-G. GRCh37 (hg19) VCF-style: chr7-124499142-A-G.
Other names: c.178T>C, p.Phe60Leu (NM_001042594.2); short protein forms F191L, F60L.
Identifiers: ClinVar variation 2450543 (VCV002450543.5), dbSNP rs2485464064, ClinGen allele CA369056769.

ClinVar aggregate classification (germline): Uncertain significance. Review status: criteria provided, multiple submitters, no conflicts (2 of 4 stars). 2 submissions from 2 submitters: Uncertain significance (2). Last evaluated 2023-10-09.

Conditions:
Hereditary cancer-predisposing syndrome. Also called: Hereditary neoplastic syndrome; Hereditary Cancer Syndrome; Tumor predisposition; Neoplastic Syndromes, Hereditary. Identifiers: Orphanet 140162, MedGen C0027672, MeSH D009386, MONDO:0015356.
Tumor predisposition syndrome 3 (TPDS3). Also called: Glioma susceptibility 9; LONG TELOMERE SYNDROME, POT1-RELATED; POT1 Tumor Predisposition; Melanoma, cutaneous malignant, susceptibility to, 10. Identifiers: Orphanet 618, MedGen C4014476, MONDO:0014368, OMIM 615848.

Allele frequency attached by ClinVar (database versions not stated): gnomAD exomes below 0.00001.
gnomAD v4.1: 1 of 1,603,606 alleles (0.000062%); highest among the groups gnomAD compares: East Asian, 0.0022%; no homozygotes.

Submissions (2):

Labcorp Genetics (formerly Invitae), Labcorp
Classification: Uncertain significance for Tumor predisposition syndrome 3. Last evaluated: 2023-10-09. Review status: criteria provided, single submitter. Criteria: Invitae Variant Classification Sherloc (09022015). Collection method: clinical testing. Allele origin: germline.
Comment: This sequence change replaces phenylalanine, which is neutral and non-polar, with leucine, which is neutral and non-polar, at codon 191 of the POT1 protein (p.Phe191Leu). This variant is not present in population databases (gnomAD no frequency). This variant has not been reported in the literature in individuals affected with POT1-related conditions. ClinVar contains an entry for this variant (Variation ID: 2450543). Advanced modeling of protein sequence and biophysical properties (such as structural, functional, and spatial information, amino acid conservation, physicochemical variation, residue mobility, and thermodynamic stability) performed at Invitae indicates that this missense variant is not expected to disrupt POT1 protein function. In summary, the available evidence is currently insufficient to determine the role of this variant in disease. Therefore, it has been classified as a Variant of Uncertain Significance.

Ambry Genetics
Classification: Uncertain significance for Hereditary cancer-predisposing syndrome. Last evaluated: 2022-12-23. Review status: criteria provided, single submitter. Criteria: Ambry Variant Classification Scheme 2023. Collection method: clinical testing. Allele origin: germline.
Comment: The p.F191L variant (also known as c.571T>C), located in coding exon 5 of the POT1 gene, results from a T to C substitution at nucleotide position 571. The phenylalanine at codon 191 is replaced by leucine, an amino acid with highly similar properties. This amino acid position is conserved. In addition, this alteration is predicted to be tolerated by in silico analysis. Since supporting evidence is limited at this time, the clinical significance of this alteration remains unclear.